The following is an entry in ClinVar:

ClinVar aggregate classification (germline): Uncertain significance. Review status: criteria provided, multiple submitters, no conflicts (2 of 4 stars). 2 submissions from 2 submitters: Uncertain significance (2). Last evaluated 2025-06-09.

Allele frequency attached by ClinVar (database versions not stated): ExAC 0.00001.
gnomAD v4.1: 77 of 1,614,132 alleles (0.0048%); highest among the groups gnomAD compares: Middle Eastern, 0.016%; no homozygotes.

Submissions (2):

Ambry Genetics
Classification: Uncertain significance. Last evaluated: 2025-06-09. Review status: criteria provided, single submitter. Criteria: Ambry Variant Classification Scheme 2023. Collection method: clinical testing. Allele origin: germline.

Labcorp Genetics (formerly Invitae), Labcorp
Classification: Uncertain significance. Last evaluated: 2025-04-17. Review status: criteria provided, single submitter. Criteria: Invitae Variant Classification Sherloc (09022015). Collection method: clinical testing. Allele origin: germline.
Comment: This sequence change replaces arginine, which is basic and polar, with histidine, which is basic and polar, at codon 617 of the FBN3 protein (p.Arg617His). This variant is present in population databases (rs765032668, gnomAD 0.009%). This variant has not been reported in the literature in individuals affected with FBN3-related conditions. ClinVar contains an entry for this variant (Variation ID: 1429495). Invitae Evidence Modeling of protein sequence and biophysical properties (such as structural, functional, and spatial information, amino acid conservation, physicochemical variation, residue mobility, and thermodynamic stability) indicates that this missense variant is not expected to disrupt FBN3 protein function with a negative predictive value of 80%. In summary, the available evidence is currently insufficient to determine the role of this variant in disease. Therefore, it has been classified as a Variant of Uncertain Significance.

NM_032447.5(FBN3):c.1850G>A (p.Arg617His)

Gene: FBN3 (fibrillin 3; minus strand). Cytogenetic location: 19p13.2.
Variant type: single nucleotide variant.
Coding change: c.1850G>A on transcript NM_032447.5 (MANE Select); coding-DNA position 1850, G replaced by A.
Protein change: p.Arg617His; replaces arginine 617 with histidine.
Molecular consequence: missense variant.
Genome position (GRCh38, 1-based): chr19:8,131,694, C>T on the plus strand (G>A on the coding strand, the complement: FBN3 is on the minus strand). VCF-style: chr19-8131694-C-T. GRCh37 (hg19) VCF-style: chr19-8196578-C-T.
Other names: c.1850G>A (NM_032447.3); c.1850G>A, p.Arg617His (NM_001321431.2); short protein forms R617H.
Identifiers: ClinVar variation 1429495 (VCV001429495.8), dbSNP rs765032668, ClinGen allele CA9153129.